The following is an entry in ClinVar:

ClinVar aggregate classification (germline): Uncertain significance. Review status: criteria provided, multiple submitters, no conflicts (2 of 4 stars). 2 submissions from 2 submitters: Uncertain significance (2). Last evaluated 2026-06-09.

Conditions:
Inborn genetic diseases. Identifiers: MedGen C0950123, MeSH D030342.

Allele frequency attached by ClinVar (database versions not stated): gnomAD exomes below 0.00001 and 0.00001.

Submissions (2):

Ambry Genetics
Classification: Uncertain significance for Inborn genetic diseases. Last evaluated: 2026-06-09. Review status: criteria provided, single submitter. Criteria: Ambry Variant Classification Scheme 2023. Collection method: clinical testing. Allele origin: germline.
Comment: The c.727C>T (p.R243W) alteration is located in exon 9 (coding exon 5) of the KRIT1 gene. This alteration results from a C to T substitution at nucleotide position 727, causing the arginine (R) at amino acid position 243 to be replaced by a tryptophan (W). Based on data from gnomAD, the T allele has an overall frequency of <0.001% (1/251216) total alleles studied. The highest observed frequency was 0.001% (1/113558) of European (non-Finnish) alleles. Based on insufficient or conflicting evidence, the clinical significance of this alteration remains unclear.

GeneDx
Classification: Uncertain significance. Last evaluated: 2023-09-16. Review status: criteria provided, single submitter. Criteria: GeneDx Variant Classification Process June 2021. Collection method: clinical testing. Allele origin: germline. Affected: yes.
Comment: Not observed at significant frequency in large population cohorts (gnomAD); In silico analysis supports that this missense variant has a deleterious effect on protein structure/function; Has not been previously published as pathogenic or benign to our knowledge; In silico analysis is inconclusive as to whether the variant alters gene splicing. In the absence of RNA/functional studies, the actual effect of this sequence change is unknown.

NM_194454.3(KRIT1):c.727C>T (p.Arg243Trp)

Gene: KRIT1 (KRIT1 ankyrin repeat containing; minus strand). Cytogenetic location: 7q21.2.
Variant type: single nucleotide variant.
Coding change: c.727C>T on transcript NM_194454.3 (MANE Select); coding-DNA position 727, C replaced by T.
Protein change: p.Arg243Trp; replaces arginine 243 with tryptophan.
Molecular consequence: missense variant. On other transcripts: intron variant (1).
Genome position (GRCh38, 1-based): chr7:92,235,405, G>A on the plus strand (C>T on the coding strand, the complement: KRIT1 is on the minus strand). VCF-style: chr7-92235405-G-A. GRCh37 (hg19) VCF-style: chr7-91864719-G-A.
Other names: c.727C>T, p.Arg243Trp (NM_194455.1, NM_194456.1, NM_001350690.1 and 29 more transcripts); c.15+129C>T (NM_001350671.1); short protein forms R243W.
Identifiers: ClinVar variation 1308794 (VCV001308794.5), dbSNP rs1387764812, ClinGen allele CA368159271.
Genomic context (GRCh38, chr7:92,235,405, plus strand): 5'-AATTACACTTGAGATAAAACGTCTTTTAAATCAGAGCTAAAATTCATTCAACTCTTACCC[G>A]ATTTGTATACTGAAGATCTGATCCAAACAAAGGGTTGTAAATACAGGTATCTGCTTTCTC-3'
Protein context (NP_919436.1, residues 233-253): LFGSDLQYTN[Arg243Trp]VDKVVINPYF